The following is an entry in ClinVar:

NM_001164508.2(NEB):c.21426C>A (p.Tyr7142Ter)

Genes: NEB (nebulin; minus strand), RIF1 (replication timing regulatory factor 1; plus strand). Cytogenetic location: 2q23.3.
Variant type: single nucleotide variant.
Coding change: c.21426C>A on transcript NM_001164508.2 (MANE Select); coding-DNA position 21426, C replaced by A.
Protein change: p.Tyr7142Ter; replaces tyrosine 7142 with a stop codon.
Molecular consequence: nonsense.
Genome position (GRCh38, 1-based): chr2:151,531,888, G>T on the plus strand (C>A on the coding strand, the complement: NEB is on the minus strand). VCF-style: chr2-151531888-G-T. GRCh37 (hg19) VCF-style: chr2-152388402-G-T.
Other names: c.21426C>A, p.Tyr7142Ter (NM_001164507.2); c.21531C>A, p.Tyr7177Ter (NM_001271208.2); c.16323C>A, p.Tyr5441Ter (NM_004543.5); short protein forms Y5441*, Y7177*, Y7142*.
Identifiers: ClinVar variation 936044 (VCV000936044.9), dbSNP rs2091275452, ClinGen allele CA348770636.

ClinVar aggregate classification (germline): Pathogenic (1 of 4 stars; one submission).

Conditions:
Nemaline myopathy 2 (NEM2). Also called: Nemaline myopathy 2, autosomal recessive. Identifiers: MedGen C1850569, MONDO:0009725, OMIM 256030.

Submission:

Labcorp Genetics (formerly Invitae), Labcorp
Classification: Pathogenic for Nemaline myopathy 2. Last evaluated: 2022-07-26. Review status: criteria provided, single submitter. Criteria: Invitae Variant Classification Sherloc (09022015). Collection method: clinical testing. Allele origin: germline.
Comment: This sequence change creates a premature translational stop signal (p.Tyr7177*) in the NEB gene. It is expected to result in an absent or disrupted protein product. Loss-of-function variants in NEB are known to be pathogenic (PMID: 25205138). This variant is not present in population databases (gnomAD no frequency). This premature translational stop signal has been observed in individual(s) with nemaline myopathy (Invitae). ClinVar contains an entry for this variant (Variation ID: 936044). For these reasons, this variant has been classified as Pathogenic.

Literature cited by the submitters: PubMed 25205138.